The following is an entry in ClinVar:

ClinVar aggregate classification (germline): Pathogenic (1 of 4 stars; one submission).

Submission:

Labcorp Genetics (formerly Invitae), Labcorp
Classification: Pathogenic. Last evaluated: 2019-12-11. Review status: criteria provided, single submitter. Criteria: Invitae Variant Classification Sherloc (09022015). Collection method: clinical testing. Allele origin: germline.
Comment: For these reasons, this variant has been classified as Pathogenic. Loss-of-function variants in USH2A are known to be pathogenic (PMID: 10729113, 10909849, 20507924, 25649381). This variant has not been reported in the literature in individuals with USH2A-related conditions. This variant is an out-of-frame deletion of the genomic region encompassing exon(s) 64 of the USH2A gene. This is expected to create a premature translational stop signal and result in an absent or disrupted protein product.

Literature cited by the submitters: PubMed 10729113; PubMed 10909849; PubMed 20507924; PubMed 25649381.

NC_000001.11:g.(?_215670962)_(215671303_?)del

Gene: USH2A (usherin; minus strand). Cytogenetic location: 1q41.
Variant type: Deletion.
Identifiers: ClinVar variation 831414 (VCV000831414.5).